The following is an entry in ClinVar:

NM_000179.3(MSH6):c.1333_1334del (p.Val444_Ser445insTer)

Gene: MSH6 (mutS homolog 6; plus strand). Cytogenetic location: 2p16.3.
Variant type: Deletion.
Coding change: c.1333_1334del on transcript NM_000179.3 (MANE Select); coding-DNA positions 1333 to 1334, 2 bases deleted (AG; older notation c.1333_1334delAG).
Protein change: p.Val444_Ser445insTer.
Molecular consequence: nonsense.
Genome position (GRCh38, 1-based): chr2:47,799,316-47,799,317, AG deleted. VCF-style (leftmost placement, unchanged base first): chr2-47799315-CAG-C. GRCh37 (hg19) VCF-style: chr2-48026454-CAG-C.
Other names: c.943_944del, p.Val314_Ser315insTer (NM_001281492.2); c.427_428del, p.Val142_Ser143insTer (NM_001281493.2, NM_001281494.2); c.1333_1334delAG (NM_000179.2).
Identifiers: ClinVar variation 410522 (VCV000410522.12), dbSNP rs1060502940, ClinGen allele CA16610956.

ClinVar aggregate classification (germline): Pathogenic. Review status: criteria provided, multiple submitters, no conflicts (2 of 4 stars). 3 submissions from 3 submitters: Pathogenic (3). Last evaluated 2025-09-02.

Conditions:
Lynch syndrome 5 (LYNCH5). Also called: Hereditary non-polyposis colorectal cancer, type 5; Colorectal cancer, hereditary nonpolyposis, type 5. Identifiers: Orphanet 144, MedGen C1833477, MONDO:0013710, OMIM 614350. Disease mechanism: loss of function.
Hereditary cancer-predisposing syndrome. Also called: Tumor predisposition; Hereditary Cancer Syndrome; Hereditary neoplastic syndrome; Neoplastic Syndromes, Hereditary. Identifiers: Orphanet 140162, MedGen C0027672, MeSH D009386, MONDO:0015356.
Hereditary nonpolyposis colorectal neoplasms. Identifiers: MedGen C0009405, MeSH D003123.

Allele frequency attached by ClinVar (database versions not stated): gnomAD exomes below 0.00001.

Submissions (3):

Ambry Genetics
Classification: Pathogenic for Hereditary cancer-predisposing syndrome. Last evaluated: 2025-09-02. Review status: criteria provided, single submitter. Criteria: Ambry Variant Classification Scheme 2023. Collection method: clinical testing. Allele origin: germline.
Comment: The c.1333_1334delAG pathogenic mutation, located in coding exon 4 of the MSH6 gene, results from a deletion of two nucleotides at nucleotide positions 1333 to 1334, causing a translational frameshift with a predicted alternate stop codon (p.S445*). This variant is considered to be rare based on population cohorts in the Genome Aggregation Database (gnomAD). This alteration is expected to result in loss of function by premature protein truncation or nonsense-mediated mRNA decay. As such, this alteration is interpreted as a disease-causing mutation.

Labcorp Genetics (formerly Invitae), Labcorp
Classification: Pathogenic for Hereditary nonpolyposis colorectal neoplasms. Last evaluated: 2024-04-22. Review status: criteria provided, single submitter. Criteria: Invitae Variant Classification Sherloc (09022015). Collection method: clinical testing. Allele origin: germline.
Comment: This sequence change creates a premature translational stop signal (p.Ser445*) in the MSH6 gene. It is expected to result in an absent or disrupted protein product. Loss-of-function variants in MSH6 are known to be pathogenic (PMID: 18269114, 24362816). This variant is not present in population databases (gnomAD no frequency). This variant has not been reported in the literature in individuals affected with MSH6-related conditions. ClinVar contains an entry for this variant (Variation ID: 410522). For these reasons, this variant has been classified as Pathogenic.

Myriad Genetics, Inc.
Classification: Pathogenic for Lynch syndrome 5. Last evaluated: 2023-08-14. Review status: criteria provided, single submitter. Criteria: Myriad Autosomal Dominant, Autosomal Recessive and X-Linked Classification Criteria (2023). Collection method: clinical testing. Allele origin: unknown.
Comment: This variant is considered pathogenic. This variant creates a termination codon and is predicted to result in premature protein truncation.

Literature cited by the submitters: PubMed 18269114 (cited by Labcorp Genetics (formerly Invitae), Labcorp); PubMed 24362816 (cited by Labcorp Genetics (formerly Invitae), Labcorp).